The following is an entry in ClinVar:

ClinVar aggregate classification (germline): Uncertain significance (1 of 4 stars; one submission).

Conditions:
Lissencephaly due to LIS1 mutation (LIS1). Also called: Isolated Lissencephaly Sequence; PAFAH1B1-Associated Lissencephaly/Subcortical Band Heterotopia; PAFAH1B1-Related Lissencephaly/Subcortical Band Heterotopia. Identifiers: Orphanet 95232, MedGen C4749301, MONDO:0011830, OMIM 607432.

Submission:

3billion
Classification: Uncertain significance for Lissencephaly due to LIS1 mutation. Last evaluated: 2024-07-23. Review status: criteria provided, single submitter. Criteria: ACMG Guidelines, 2015. Collection method: clinical testing. Allele origin: germline. Affected: yes.
Comment: The variant is not observed in the gnomAD v4.0.0 dataset. Predicted Consequence/Location: Intron variant In silico tools predict the variant to alter splicing and produce an abnormal transcript [SpliceAI: 0.83 (>=0.2, moderate evidence for spliceogenicity)]. Therefore, this variant is classified as VUS according to the recommendation of ACMG/AMP guideline.

NM_000430.4(PAFAH1B1):c.1159+3A>G

Gene: PAFAH1B1 (platelet activating factor acetylhydrolase 1b regulatory subunit 1; plus strand). Cytogenetic location: 17p13.3.
Variant type: single nucleotide variant.
Coding change: c.1159+3A>G on transcript NM_000430.4 (MANE Select); 3 bases into the intron after coding-DNA position 1159, A replaced by G.
Molecular consequence: intron variant.
Genome position (GRCh38, 1-based): chr17:2,680,323, A>G. VCF-style: chr17-2680323-A-G. GRCh37 (hg19) VCF-style: chr17-2583617-A-G.
Identifiers: ClinVar variation 4072258 (VCV004072258.1).